The following is an entry in ClinVar:

NM_001167.4(XIAP):c.1301-1G>A

Gene: XIAP (X-linked inhibitor of apoptosis; plus strand). Cytogenetic location: Xq25.
Variant type: single nucleotide variant.
Coding change: c.1301-1G>A on transcript NM_001167.4 (MANE Select); the canonical splice acceptor site of the intron before coding-DNA position 1301, G replaced by A.
Molecular consequence: splice acceptor variant.
Genome position (GRCh38, 1-based): chrX:123,906,987, G>A. VCF-style: chrX-123906987-G-A. GRCh37 (hg19) VCF-style: chrX-123040837-G-A.
Other names: c.1301-1G>A (NM_001378592.1, NM_001378591.1, NM_001204401.2 and 1 more transcripts).
Identifiers: ClinVar variation 1929603 (VCV001929603.8), dbSNP rs2522625136, ClinGen allele CA414127863.
Genomic context (GRCh38, chrX:123,906,987, plus strand): 5'-TCAATGAATTTAAACAACTAAGAGAGTCTAAAACTAGCATAATTATTTTCTCTTTTTGCA[G>A]AGATTAGTACTGAAGAGCAGCTAAGGCGCCTGCAAGAGGAGAAGCTTTGCAAAATCTGTA-3'

ClinVar aggregate classification (germline): Conflicting classifications of pathogenicity. Review status: criteria provided, conflicting classifications (1 of 4 stars). 2 submissions from 2 submitters: Likely pathogenic (1); Uncertain significance (1). Last evaluated 2022-02-23.

Conditions:
X-linked lymphoproliferative disease due to XIAP deficiency. Also called: XIAP DEFICIENCY; XIAP-Related Lymphoproliferative Disease, X-Linked. Identifiers: Orphanet 2442, Orphanet 538934, MedGen C1845076, MONDO:0010385, OMIM 300635.

Submissions (2):

Labcorp Genetics (formerly Invitae), Labcorp
Classification: Uncertain significance for X-linked lymphoproliferative disease due to XIAP deficiency. Last evaluated: 2022-02-23. Review status: criteria provided, single submitter. Criteria: Invitae Variant Classification Sherloc (09022015). Collection method: clinical testing. Allele origin: germline.
Comment: This sequence change affects an acceptor splice site in intron 6 of the XIAP gene. While this variant is not anticipated to result in nonsense mediated decay, it likely alters RNA splicing and results in a disrupted protein product. In summary, the available evidence is currently insufficient to determine the role of this variant in disease. Therefore, it has been classified as a Variant of Uncertain Significance. Variants that disrupt the consensus splice site are a relatively common cause of aberrant splicing (PMID: 17576681, 9536098). Algorithms developed to predict the effect of sequence changes on RNA splicing suggest that this variant may disrupt the consensus splice site. Disruption of this splice site has been observed in individual(s) with clinical features of hemophagocytic lymphohistiocytosis (PMID: 32542393). This variant is not present in population databases (gnomAD no frequency).

Neuberg Centre For Genomic Medicine, NCGM
Classification: Likely pathogenic for X-linked lymphoproliferative disease due to XIAP deficiency. Review status: criteria provided, single submitter. Criteria: ACMG Guidelines, 2015. Collection method: clinical testing. Allele origin: germline. Inheritance: X-linked recessive inheritance. Affected: yes.
Comment: The observed splice donor variant c.1301-1G>A in the XIAP gene has not been reported previously as a pathogenic variant nor as a benign variant, to our knowledge. This variant has been reported to the ClinVar database as Uncertain Significance. However, no details are available for independent assessment. This variant is absent in the gnomAD Exomes. The variant affects AG acceptor splice site in intron 6. Though this variant is present in the last intron, pathogenic variants in the last exon have been reported as pathogenic/likely pathogenic in the ClinVar database. Loss of function variants have been previously reported to be disease causing (Dziadzio M, et al., 2015). The variant is predicted to be damaging by SpliceAI prediction tool. For these reasons, this variant has been classified as Likely Pathogenic.

Literature cited by the submitters: PubMed 17576681 (cited by Labcorp Genetics (formerly Invitae), Labcorp); PubMed 9536098 (cited by Labcorp Genetics (formerly Invitae), Labcorp); PubMed 32542393 (cited by Labcorp Genetics (formerly Invitae), Labcorp).